The following is an entry in ClinVar:

NM_012099.3(POLR1G):c.1510C>A (p.Gln504Lys)

Genes: ERCC1 (ERCC excision repair 1, endonuclease non-catalytic subunit; minus strand), POLR1G (RNA polymerase I subunit G; plus strand). Cytogenetic location: 19q13.32.
Variant type: single nucleotide variant.
Coding change: c.1510C>A on transcript NM_012099.3 (MANE Select); coding-DNA position 1510, C replaced by A.
Protein change: p.Gln504Lys; replaces glutamine 504 with lysine.
Molecular consequence: missense variant. On other transcripts: 3 prime UTR variant (10).
Genome position (GRCh38, 1-based): chr19:45,409,478, C>A. VCF-style: chr19-45409478-C-A. GRCh37 (hg19) VCF-style: chr19-45912736-C-A.
Other names: c.*197G>T (NM_001369419.1, NM_001983.4, NM_001166049.2 and 7 more transcripts); c.1516C>A, p.Gln506Lys (NM_001297590.3); short protein forms Q504K, Q506K.
Identifiers: ClinVar variation 225987 (VCV000225987.14), dbSNP rs3212986, ClinGen allele CA9515189.
Genomic context (GRCh38, chr19:45,409,478, plus strand): 5'-CCGCCACTGAATTCAGAGTCTGGGGAGGAGGCTCCCACAGGCCGGGACAAGAAGCGGAAG[C>A]AGCAGCAGCAGCAGCCTGTGTAGTCTGCCCCCGGGAAACTGAGGAACTAAAGAAAGCTGA-3'
Protein context (NP_036231.1, residues 494-510): APTGRDKKRK[Gln504Lys]QQQQPV

ClinVar aggregate classification (germline): Benign. Review status: criteria provided, multiple submitters, no conflicts (2 of 4 stars). 3 submissions from 3 submitters: Benign (3). Last evaluated 2026-02-03.

Allele frequency attached by ClinVar (database versions not stated): gnomAD 0.27154 and 0.27129; 1000 Genomes Project 0.29513; ExAC 0.32366; ESP Exome Variant Server 0.26124; 1000 Genomes Project 30x 0.29872; TOPMed 0.28350.
gnomAD v4.1: 413,209 of 1,605,796 alleles (26%); highest among the groups gnomAD compares: Admixed American, 39%; 54,211 homozygotes.

Submissions (3):

Labcorp Genetics (formerly Invitae), Labcorp
Classification: Benign. Last evaluated: 2026-02-03. Review status: criteria provided, single submitter. Criteria: Invitae Variant Classification Sherloc (09022015). Collection method: clinical testing. Allele origin: germline.

GeneDx
Classification: Benign. Last evaluated: 2018-11-11. Review status: criteria provided, single submitter. Criteria: GeneDx Variant Classification Process June 2021. Collection method: clinical testing. Allele origin: germline. Affected: yes.
Comment: This variant is associated with the following publications: (PMID: 10952103, 18635523, 23203453)

Breakthrough Genomics
Classification: Benign. Review status: criteria provided, single submitter. Criteria: ACMG Guidelines, 2015. Collection method: not provided. Allele origin: germline. Inheritance: Unknown mechanism. Affected: yes.